The following is an entry in ClinVar:

NM_005619.5(RTN2):c.1486C>T (p.Arg496Trp)

Genes: OPA3-RTN2 (OPA3-RTN2 readthrough; minus strand), RTN2 (reticulon 2; minus strand). Cytogenetic location: 19q13.32.
Variant type: single nucleotide variant.
Coding change: c.1486C>T on transcript NM_005619.5 (MANE Select); coding-DNA position 1486, C replaced by T.
Protein change: p.Arg496Trp; replaces arginine 496 with tryptophan.
Molecular consequence: missense variant.
Genome position (GRCh38, 1-based): chr19:45,488,482, G>A on the plus strand (C>T on the coding strand, the complement: RTN2 is on the minus strand). VCF-style: chr19-45488482-G-A. GRCh37 (hg19) VCF-style: chr19-45991740-G-A.
Other names: c.1267C>T, p.Arg423Trp (NM_206900.3); c.466C>T, p.Arg156Trp (NM_206901.3); short protein forms R423W, R496W, R156W.
Identifiers: ClinVar variation 2267266 (VCV002267266.5), dbSNP rs199848753, ClinGen allele CA9515947.

ClinVar aggregate classification (germline): Uncertain significance. Review status: criteria provided, multiple submitters, no conflicts (2 of 4 stars). 2 submissions from 2 submitters: Uncertain significance (2). Last evaluated 2024-10-30.

Conditions:
Spastic paraplegia. Identifiers: MedGen C0037772, HP:0001258.
Inborn genetic diseases. Identifiers: MedGen C0950123, MeSH D030342.

Allele frequency attached by ClinVar (database versions not stated): TOPMed 0.00001; ExAC 0.00002; gnomAD 0.00002; 1000 Genomes Project 0.00020; 1000 Genomes Project 30x 0.00031.
gnomAD v4.1: 51 of 1,613,836 alleles (0.0032%); highest among the groups gnomAD compares: Middle Eastern, 0.016%; no homozygotes.

Submissions (2):

Labcorp Genetics (formerly Invitae), Labcorp
Classification: Uncertain significance for Spastic paraplegia. Last evaluated: 2024-10-30. Review status: criteria provided, single submitter. Criteria: Invitae Variant Classification Sherloc (09022015). Collection method: clinical testing. Allele origin: germline.
Comment: This sequence change replaces arginine, which is basic and polar, with tryptophan, which is neutral and slightly polar, at codon 496 of the RTN2 protein (p.Arg496Trp). This variant is present in population databases (rs199848753, gnomAD 0.006%). This variant has not been reported in the literature in individuals affected with RTN2-related conditions. ClinVar contains an entry for this variant (Variation ID: 2267266). An algorithm developed to predict the effect of missense changes on protein structure and function (PolyPhen-2) suggests that this variant is likely to be disruptive. In summary, the available evidence is currently insufficient to determine the role of this variant in disease. Therefore, it has been classified as a Variant of Uncertain Significance.

Ambry Genetics
Classification: Uncertain significance for Inborn genetic diseases. Last evaluated: 2021-12-14. Review status: criteria provided, single submitter. Criteria: Ambry Variant Classification Scheme 2023. Collection method: clinical testing. Allele origin: germline.